The following is an entry in ClinVar:

NM_020778.5(ALPK3):c.143+6T>C

Gene: ALPK3 (alpha kinase 3; plus strand). Cytogenetic location: 15q25.3.
Variant type: single nucleotide variant.
Coding change: c.143+6T>C on transcript NM_020778.5 (MANE Select); 6 bases into the intron after coding-DNA position 143, T replaced by C.
Molecular consequence: intron variant.
Genome position (GRCh38, 1-based): chr15:84,817,601, T>C. VCF-style: chr15-84817601-T-C. GRCh37 (hg19) VCF-style: chr15-85360832-T-C.
Identifiers: ClinVar variation 2769769 (VCV002769769.3), dbSNP rs2505689463, ClinGen allele CA2630108709.

ClinVar aggregate classification (germline): Uncertain significance (1 of 4 stars; one submission).

Submission:

Labcorp Genetics (formerly Invitae), Labcorp
Classification: Uncertain significance. Last evaluated: 2023-10-18. Review status: criteria provided, single submitter. Criteria: Invitae Variant Classification Sherloc (09022015). Collection method: clinical testing. Allele origin: germline.
Comment: This sequence change falls in intron 1 of the ALPK3 gene. It does not directly change the encoded amino acid sequence of the ALPK3 protein. It affects a nucleotide within the consensus splice site. This variant is not present in population databases (gnomAD no frequency). This variant has not been reported in the literature in individuals affected with ALPK3-related conditions. Variants that disrupt the consensus splice site are a relatively common cause of aberrant splicing (PMID: 17576681, 9536098). Algorithms developed to predict the effect of sequence changes on RNA splicing suggest that this variant is not likely to affect RNA splicing. In summary, the available evidence is currently insufficient to determine the role of this variant in disease. Therefore, it has been classified as a Variant of Uncertain Significance.

Literature cited by the submitters: PubMed 17576681; PubMed 9536098.